The following is an entry in ClinVar:

ClinVar aggregate classification (germline): Likely pathogenic (1 of 4 stars; one submission).

Conditions:
Mucopolysaccharidosis, MPS-IV-A (MPS4A). Also called: Mucopolysaccharidosis type IV A; Mucopolysaccharidosis Type IVA; Morquio syndrome A, mild; MORQUIO SYNDROME A; MPS IVA; mucopolysaccharidosis type 4A. Identifiers: Orphanet 309297, Orphanet 582, MedGen C0086651, MONDO:0009659, OMIM 253000.

Submission:

Laboratory of Diagnosis and Therapy of Lysosomal Disorders, University of Padova
Classification: Likely pathogenic for Mucopolysaccharidosis, MPS-IV-A. Last evaluated: 2021-02-01. Review status: criteria provided, single submitter. Criteria: ACMG Guidelines, 2015. Collection method: curation. Allele origin: germline. Affected: yes.
Comment: Splicing variant in canonical site (PVS1_very strong); absent from gnomAD v2.1.1 (PM2_moderate)

Literature cited by the submitters: PubMed 16287098; PubMed 23876334; PubMed 34387910.

NM_000512.5(GALNS):c.121-1G>C

Gene: GALNS (galactosamine (N-acetyl)-6-sulfatase; minus strand). Cytogenetic location: 16q24.3.
Variant type: single nucleotide variant.
Coding change: c.121-1G>C on transcript NM_000512.5 (MANE Select); the canonical splice acceptor site of the intron before coding-DNA position 121, G replaced by C.
Molecular consequence: splice acceptor variant. On other transcripts: intron variant (1).
Genome position (GRCh38, 1-based): chr16:88,842,830, C>G on the plus strand (G>C on the coding strand, the complement: GALNS is on the minus strand). VCF-style: chr16-88842830-C-G. GRCh37 (hg19) VCF-style: chr16-88909238-C-G.
Other names: c.-311-859G>C (NM_001323543.2); c.139-1G>C (NM_001323544.2).
Identifiers: ClinVar variation 1048377 (VCV001048377.3), dbSNP rs1312522259, ClinGen allele CA397092201.